The following is an entry in ClinVar:

NM_004370.6(COL12A1):c.2714G>C (p.Arg905Pro)

Gene: COL12A1 (collagen type XII alpha 1 chain; minus strand). Cytogenetic location: 6q13.
Variant type: single nucleotide variant.
Coding change: c.2714G>C on transcript NM_004370.6 (MANE Select); coding-DNA position 2714, G replaced by C.
Protein change: p.Arg905Pro; replaces arginine 905 with proline.
Molecular consequence: missense variant. On other transcripts: intron variant (1).
Genome position (GRCh38, 1-based): chr6:75,165,776, C>G on the plus strand (G>C on the coding strand, the complement: COL12A1 is on the minus strand). VCF-style: chr6-75165776-C-G. GRCh37 (hg19) VCF-style: chr6-75875492-C-G.
Other names: c.74-13294G>C (NM_080645.3); short protein forms R905P.
Identifiers: ClinVar variation 1042534 (VCV001042534.10), dbSNP rs369193482, ClinGen allele CA364758941.

ClinVar aggregate classification (germline): Uncertain significance (1 of 4 stars; one submission).

Conditions:
Ullrich congenital muscular dystrophy 2 (UCMD2). Identifiers: Orphanet 75840, MedGen C4225314, MONDO:0014654, OMIM 616470.
Bethlem myopathy 2 (BTHLM2). Identifiers: Orphanet 536516, Orphanet 610, MedGen C4225313, MONDO:0034022, OMIM 616471.

gnomAD v4.1: 1 of 1,610,472 alleles (0.000062%); highest among the groups gnomAD compares: South Asian, 0.0011%; no homozygotes.

Submission:

Labcorp Genetics (formerly Invitae), Labcorp
Classification: Uncertain significance for Bethlem myopathy 2; Ullrich congenital muscular dystrophy 2. Last evaluated: 2020-08-23. Review status: criteria provided, single submitter. Criteria: Invitae Variant Classification Sherloc (09022015). Collection method: clinical testing. Allele origin: germline.
Comment: This sequence change replaces arginine with proline at codon 905 of the COL12A1 protein (p.Arg905Pro). The arginine residue is moderately conserved and there is a moderate physicochemical difference between arginine and proline. This variant is not present in population databases (ExAC no frequency). This variant has not been reported in the literature in individuals with COL12A1-related conditions. Algorithms developed to predict the effect of missense changes on protein structure and function are either unavailable or do not agree on the potential impact of this missense change (SIFT: "Deleterious"; PolyPhen-2: "Probably Damaging"; Align-GVGD: "Class C0"). In summary, the available evidence is currently insufficient to determine the role of this variant in disease. Therefore, it has been classified as a Variant of Uncertain Significance.